The following is an entry in ClinVar:

NM_052876.4(NACC1):c.937G>A (p.Gly313Ser)

Gene: NACC1 (nucleus accumbens associated 1; plus strand). Cytogenetic location: 19p13.13.
Variant type: single nucleotide variant.
Coding change: c.937G>A on transcript NM_052876.4 (MANE Select); coding-DNA position 937, G replaced by A.
Protein change: p.Gly313Ser; replaces glycine 313 with serine.
Molecular consequence: missense variant.
Genome position (GRCh38, 1-based): chr19:13,136,144, G>A. VCF-style: chr19-13136144-G-A. GRCh37 (hg19) VCF-style: chr19-13246958-G-A.
Other names: short protein forms G313S.
Identifiers: ClinVar variation 1950411 (VCV001950411.6), dbSNP rs558296014, ClinGen allele CA9238343.

ClinVar aggregate classification (germline): Uncertain significance. Review status: criteria provided, multiple submitters, no conflicts (2 of 4 stars). 2 submissions from 2 submitters: Uncertain significance (2). Last evaluated 2023-12-28.

Conditions:
Inborn genetic diseases. Identifiers: MedGen C0950123, MeSH D030342.

Allele frequency attached by ClinVar (database versions not stated): ExAC 0.00003; TOPMed 0.00003; gnomAD 0.00005.

Submissions (2):

Labcorp Genetics (formerly Invitae), Labcorp
Classification: Uncertain significance. Last evaluated: 2023-12-28. Review status: criteria provided, single submitter. Criteria: Invitae Variant Classification Sherloc (09022015). Collection method: clinical testing. Allele origin: germline.
Comment: This sequence change replaces glycine, which is neutral and non-polar, with serine, which is neutral and polar, at codon 313 of the NACC1 protein (p.Gly313Ser). This variant is present in population databases (rs558296014, gnomAD 0.02%). This variant has not been reported in the literature in individuals affected with NACC1-related conditions. ClinVar contains an entry for this variant (Variation ID: 1950411). Advanced modeling of protein sequence and biophysical properties (such as structural, functional, and spatial information, amino acid conservation, physicochemical variation, residue mobility, and thermodynamic stability) performed at Invitae indicates that this missense variant is not expected to disrupt NACC1 protein function with a negative predictive value of 80%. In summary, the available evidence is currently insufficient to determine the role of this variant in disease. Therefore, it has been classified as a Variant of Uncertain Significance.

Ambry Genetics
Classification: Uncertain significance for Inborn genetic diseases. Last evaluated: 2021-09-15. Review status: criteria provided, single submitter. Criteria: Ambry Variant Classification Scheme 2023. Collection method: clinical testing. Allele origin: germline.